The following is an entry in ClinVar:

NM_002637.4(PHKA1):c.3297+5G>A

Gene: PHKA1 (phosphorylase kinase regulatory subunit alpha 1; minus strand). Cytogenetic location: Xq13.1.
Variant type: single nucleotide variant.
Coding change: c.3297+5G>A on transcript NM_002637.4 (MANE Select); 5 bases into the intron after coding-DNA position 3297, G replaced by A.
Molecular consequence: intron variant.
Genome position (GRCh38, 1-based): chrX:72,584,244, C>T on the plus strand (G>A on the coding strand, the complement: PHKA1 is on the minus strand). VCF-style: chrX-72584244-C-T. GRCh37 (hg19) VCF-style: chrX-71804094-C-T.
Other names: c.3081+5G>A (NM_001172436.2); c.3258+5G>A (NM_001122670.2).
Identifiers: ClinVar variation 450003 (VCV000450003.7), dbSNP rs781901953, ClinGen allele CA10450493.

ClinVar aggregate classification (germline): Uncertain significance. Review status: criteria provided, multiple submitters, no conflicts (2 of 4 stars). 2 submissions from 2 submitters: Uncertain significance (2). Last evaluated 2024-12-12.

Conditions:
Glycogen storage disease IXd (GSD9D). Also called: GSD IXd; Muscle Phosphorylase Kinase Deficiency. Identifiers: Orphanet 715, MedGen C1845151, MONDO:0010362, OMIM 300559.

Allele frequency attached by ClinVar (database versions not stated): gnomAD 0.00002 and 0.00006; gnomAD exomes 0.00002 and 0.00017; TOPMed 0.00002; ExAC 0.00021; 1000 Genomes Project 30x 0.00062; 1000 Genomes Project 0.00079.
gnomAD v4.1: 32 of 1,192,642 alleles (0.0027%); highest among the groups gnomAD compares: East Asian, 0.092%; no homozygotes.

Submissions (3):

Labcorp Genetics (formerly Invitae), Labcorp
Classification: Uncertain significance for Glycogen storage disease IXd. Last evaluated: 2024-12-12. Review status: criteria provided, single submitter. Criteria: Invitae Variant Classification Sherloc (09022015). Collection method: clinical testing. Allele origin: germline.
Comment: This sequence change falls in intron 30 of the PHKA1 gene. It does not directly change the encoded amino acid sequence of the PHKA1 protein. It affects a nucleotide within the consensus splice site. The frequency data for this variant in the population databases is considered unreliable, as metrics indicate poor data quality at this position in the gnomAD database. This variant has been observed in individual(s) with glycogen storage disease type IXd (PMID: 36034300). ClinVar contains an entry for this variant (Variation ID: 450003). Variants that disrupt the consensus splice site are a relatively common cause of aberrant splicing (PMID: 17576681, 9536098). Algorithms developed to predict the effect of sequence changes on RNA splicing suggest that this variant is not likely to affect RNA splicing. In summary, the available evidence is currently insufficient to determine the role of this variant in disease. Therefore, it has been classified as a Variant of Uncertain Significance.

GeneDx
Classification: Uncertain significance. Last evaluated: 2017-06-23. Review status: criteria provided, single submitter. Criteria: GeneDx Variant Classification (06012015). Collection method: clinical testing. Allele origin: germline. Affected: yes.
Comment: The c.3297+5 G>A variant has not been published as a pathogenic variant, nor has it been reported as a benign variant to our knowledge. The c.3297+5 G>A variant is observed in 17/6305 (0.3%) alleles from individuals of East Asian background, in large population cohorts, including two hemizygotes (Lek et al., 2016; 1000 Genomes Consortium et al., 2015; Exome Variant Server). Several in-silico splice prediction models predict that c.3297+5 G>A damages the the natural donor site in intron 30 and may lead to abnormal gene splicing. However, in the absence of RNA/functional studies, the actual effect of this sequence change in this individual is unknown. Therefore, based on the currently available information, it is unclear whether this variant is a pathogenic variant or a rare benign variant.

Dr. Peter K. Rogan Lab, Western University
No classification provided (evidence only). Condition: Adrenocortical carcinoma, hereditary. Review status: no classification provided. Collection method: in vitro. Allele origin: not applicable. Functional consequence: retained intron. Not counted in ClinVar's aggregate classification.

Literature cited by the submitters: PubMed 36034300 (cited by Labcorp Genetics (formerly Invitae), Labcorp); PubMed 17576681 (cited by Labcorp Genetics (formerly Invitae), Labcorp); PubMed 9536098 (cited by Labcorp Genetics (formerly Invitae), Labcorp).